The following is an entry in ClinVar:

ClinVar aggregate classification (germline): Likely benign (1 of 4 stars; one submission).

gnomAD v4.1: 3,113 of 1,614,060 alleles (0.19%); highest among the groups gnomAD compares: South Asian, 0.2%; 33 homozygotes.

Submission:

CeGaT Center for Human Genetics Tuebingen
Classification: Likely benign. Last evaluated: 2026-05-01. Review status: criteria provided, single submitter. Criteria: CeGaT Center For Human Genetics Tuebingen Variant Classification Criteria Version 2. Collection method: clinical testing. Allele origin: germline. Affected: yes. Observed: 1 variant allele.
Comment: MAP1B: BP4, BS1

NM_005909.5(MAP1B):c.2600T>G (p.Leu867Arg)

Gene: MAP1B (microtubule associated protein 1B; plus strand). Cytogenetic location: 5q13.2.
Variant type: single nucleotide variant.
Coding change: c.2600T>G on transcript NM_005909.5 (MANE Select); coding-DNA position 2600, T replaced by G.
Protein change: p.Leu867Arg; replaces leucine 867 with arginine.
Molecular consequence: missense variant.
Genome position (GRCh38, 1-based): chr5:72,195,955, T>G. VCF-style: chr5-72195955-T-G. GRCh37 (hg19) VCF-style: chr5-71491782-T-G.
Other names: c.2222T>G, p.Leu741Arg (NM_001324255.2); short protein forms L741R, L867R.
Identifiers: ClinVar variation 4872153 (VCV004872153.2).